The following is an entry in ClinVar:

ClinVar aggregate classification (germline): Pathogenic (1 of 4 stars; one submission).

Conditions:
Kabuki syndrome 1 (KABUK1). Also called: KMT2D-Related Kabuki Syndrome. Identifiers: Orphanet 2322, MedGen CN030661, MONDO:0007843, OMIM 147920.

Submission:

Centre for Mendelian Genomics, University Medical Centre Ljubljana
Classification: Pathogenic for Kabuki syndrome 1. Last evaluated: 2020-01-28. Review status: criteria provided, single submitter. Criteria: ACMG Guidelines, 2015. Collection method: clinical testing. Allele origin: unknown. Affected: yes.
Comment: This variant was classified as: Pathogenic. The following ACMG criteria were applied in classifying this variant: PVS1,PM2,PM6.

NM_003482.4(KMT2D):c.8430dup (p.Gln2811fs)

Gene: KMT2D (lysine methyltransferase 2D; minus strand). Cytogenetic location: 12q13.12.
Variant type: Duplication.
Coding change: c.8430dup on transcript NM_003482.4 (MANE Select); coding-DNA position 8430, one base duplicated (A; older notation c.8430dupA).
Protein change: p.Gln2811fs; shifts the reading frame from glutamine 2811.
Molecular consequence: frameshift variant.
Genome position (GRCh38, 1-based): chr12:49,038,926, T duplicated on the plus strand (A on the coding strand, the reverse complement: KMT2D is on the minus strand). VCF-style (leftmost placement, unchanged base first): chr12-49038925-G-GT. GRCh37 (hg19) VCF-style: chr12-49432708-G-GT.
Other names: short protein forms Q2811fs.
Identifiers: ClinVar variation 931349 (VCV000931349.3), dbSNP rs1943354738, ClinGen allele CA1139662641.